The following is an entry in ClinVar:

ClinVar aggregate classification (germline): Uncertain significance (1 of 4 stars; one submission).

Conditions:
Frontotemporal dementia and/or amyotrophic lateral sclerosis 4. Also called: FTDALS4. Identifiers: Orphanet 275872, MedGen C4225325, MONDO:0014641, OMIM 616439.

Allele frequency attached by ClinVar (database versions not stated): TOPMed below 0.00001.
gnomAD v4.1: 2 of 1,605,474 alleles (0.00012%); highest among the groups gnomAD compares: Non-Finnish European, 0.00017%; no homozygotes.

Submission:

Labcorp Genetics (formerly Invitae), Labcorp
Classification: Uncertain significance for Frontotemporal dementia and/or amyotrophic lateral sclerosis 4. Last evaluated: 2021-11-30. Review status: criteria provided, single submitter. Criteria: Invitae Variant Classification Sherloc (09022015). Collection method: clinical testing. Allele origin: germline.
Comment: In summary, the available evidence is currently insufficient to determine the role of this variant in disease. Therefore, it has been classified as a Variant of Uncertain Significance. Variants that disrupt the consensus splice site are a relatively common cause of aberrant splicing (PMID: 17576681, 9536098). Algorithms developed to predict the effect of sequence changes on RNA splicing suggest that this variant may disrupt the consensus splice site. This variant has not been reported in the literature in individuals affected with TBK1-related conditions. This variant is not present in population databases (gnomAD no frequency). This sequence change falls in intron 5 of the TBK1 gene. It does not directly change the encoded amino acid sequence of the TBK1 protein. It affects a nucleotide within the consensus splice site.

Literature cited by the submitters: PubMed 17576681; PubMed 9536098.

NM_013254.4(TBK1):c.541-3T>G

Gene: TBK1 (TANK binding kinase 1; plus strand). Cytogenetic location: 12q14.2.
Variant type: single nucleotide variant.
Coding change: c.541-3T>G on transcript NM_013254.4 (MANE Select); 3 bases into the intron before coding-DNA position 541, T replaced by G.
Molecular consequence: intron variant.
Genome position (GRCh38, 1-based): chr12:64,474,227, T>G. VCF-style: chr12-64474227-T-G. GRCh37 (hg19) VCF-style: chr12-64868007-T-G.
Identifiers: ClinVar variation 1361855 (VCV001361855.6), dbSNP rs747738866, ClinGen allele CA238255506.
Genomic context (GRCh38, chr12:64,474,227, plus strand): 5'-ATTTGTTTGTATAATGAAATGGGTCACAGGTTCATGATTTTTTTCTTTTTTTTTTAATCT[T>G]AGCACCCTGATATGTATGAGAGAGCAGTGCTAAGAAAAGATCATCAGAAGAAATATGGAG-3'